The following is an entry in ClinVar:

NM_020297.4(ABCC9):c.4257G>C (p.Trp1419Cys)

Genes: KCNJ8-AS1 (KCNJ8 antisense RNA 1; plus strand), ABCC9 (ATP binding cassette subfamily C member 9; minus strand). Cytogenetic location: 12p12.1.
Variant type: single nucleotide variant.
Coding change: c.4257G>C on transcript NM_020297.4 (MANE Select); coding-DNA position 4257, G replaced by C.
Protein change: p.Trp1419Cys; replaces tryptophan 1419 with cysteine.
Molecular consequence: missense variant.
Genome position (GRCh38, 1-based): chr12:21,809,910, C>G on the plus strand (G>C on the coding strand, the complement: ABCC9 is on the minus strand). VCF-style: chr12-21809910-C-G. GRCh37 (hg19) VCF-style: chr12-21962844-C-G.
Other names: c.4257G>C, p.Trp1419Cys (NM_001377273.1, NM_005691.4); c.3390G>C, p.Trp1130Cys (NM_001377274.1); short protein forms W1130C, W1419C.
Identifiers: ClinVar variation 1739135 (VCV001739135.4), dbSNP rs1458848252, ClinGen allele CA384133367.
Genomic context (GRCh38, chr12:21,809,910, plus strand): 5'-ACCTAGACCTCCAGGTAGAGATTTGACCATATTCTTCAGCTGAGCAATTTCTAAGGCTTC[C>G]CAGAGTCTGTCATCTGTGCATTTGCACTCTGGATCTAAATTAAATCTGTAGGGAAAAATT-3'
Protein context (NP_064693.2, residues 1409-1429): PECKCTDDRL[Trp1419Cys]EALEIAQLKN

ClinVar aggregate classification (germline): Uncertain significance. Review status: criteria provided, multiple submitters, no conflicts (2 of 4 stars). 2 submissions from 2 submitters: Uncertain significance (2). Last evaluated 2024-10-24.

Conditions:
Cardiovascular phenotype. Identifiers: MedGen CN230736.
Dilated cardiomyopathy 1O (CMD1O). Also called: CARDIOMYOPATHY, DILATED, WITH VENTRICULAR TACHYCARDIA. Identifiers: Orphanet 154, MedGen C1837839, MONDO:0012062, OMIM 608569.

Allele frequency attached by ClinVar (database versions not stated): TOPMed below 0.00001.

Submissions (2):

Labcorp Genetics (formerly Invitae), Labcorp
Classification: Uncertain significance for Dilated cardiomyopathy 1O. Last evaluated: 2024-10-24. Review status: criteria provided, single submitter. Criteria: Invitae Variant Classification Sherloc (09022015). Collection method: clinical testing. Allele origin: germline.
Comment: This sequence change replaces tryptophan, which is neutral and slightly polar, with cysteine, which is neutral and slightly polar, at codon 1419 of the ABCC9 protein (p.Trp1419Cys). This variant is not present in population databases (gnomAD no frequency). This variant has not been reported in the literature in individuals affected with ABCC9-related conditions. ClinVar contains an entry for this variant (Variation ID: 1739135). Invitae Evidence Modeling of protein sequence and biophysical properties (such as structural, functional, and spatial information, amino acid conservation, physicochemical variation, residue mobility, and thermodynamic stability) indicates that this missense variant is expected to disrupt ABCC9 protein function with a positive predictive value of 80%. In summary, the available evidence is currently insufficient to determine the role of this variant in disease. Therefore, it has been classified as a Variant of Uncertain Significance.

Ambry Genetics
Classification: Uncertain significance for Cardiovascular phenotype. Last evaluated: 2022-02-07. Review status: criteria provided, single submitter. Criteria: Ambry Variant Classification Scheme 2023. Collection method: clinical testing. Allele origin: germline.
Comment: The p.W1419C variant (also known as c.4257G>C), located in coding exon 35 of the ABCC9 gene, results from a G to C substitution at nucleotide position 4257. The tryptophan at codon 1419 is replaced by cysteine, an amino acid with highly dissimilar properties. This amino acid position is highly conserved in available vertebrate species. In addition, this alteration is predicted to be deleterious by in silico analysis. Since supporting evidence is limited at this time, the clinical significance of this alteration remains unclear.